The following is an entry in ClinVar:

ClinVar aggregate classification (germline): Uncertain significance (1 of 4 stars; one submission).

Submission:

Labcorp Genetics (formerly Invitae), Labcorp
Classification: Uncertain significance. Last evaluated: 2022-06-14. Review status: criteria provided, single submitter. Criteria: Invitae Variant Classification Sherloc (09022015). Collection method: clinical testing. Allele origin: germline.
Comment: In summary, the available evidence is currently insufficient to determine the role of this variant in disease. Therefore, it has been classified as a Variant of Uncertain Significance. Algorithms developed to predict the effect of missense changes on protein structure and function are either unavailable or do not agree on the potential impact of this missense change (SIFT: "Deleterious"; PolyPhen-2: "Possibly Damaging"; Align-GVGD: "Class C0"). This variant has not been reported in the literature in individuals affected with AK7-related conditions. This variant is not present in population databases (gnomAD no frequency). This sequence change replaces alanine, which is neutral and non-polar, with valine, which is neutral and non-polar, at codon 259 of the AK7 protein (p.Ala259Val).

NM_152327.5(AK7):c.776C>T (p.Ala259Val)

Gene: AK7 (adenylate kinase 7; plus strand). Cytogenetic location: 14q32.2.
Variant type: single nucleotide variant.
Coding change: c.776C>T on transcript NM_152327.5 (MANE Select); coding-DNA position 776, C replaced by T.
Protein change: p.Ala259Val; replaces alanine 259 with valine.
Molecular consequence: missense variant.
Genome position (GRCh38, 1-based): chr14:96,442,815, C>T. VCF-style: chr14-96442815-C-T. GRCh37 (hg19) VCF-style: chr14-96909152-C-T.
Other names: c.776C>T, p.Ala259Val (NM_001350888.2, NM_001350890.2, NM_001350891.2 and 1 more transcripts); short protein forms A259V.
Identifiers: ClinVar variation 2003418 (VCV002003418.4), dbSNP rs1893030342, ClinGen allele CA390924180.